The following is an entry in ClinVar:

NM_001142800.2(EYS):c.2113T>C (p.Cys705Arg)

Gene: EYS (eyes shut homolog; minus strand). Cytogenetic location: 6q12.
Variant type: single nucleotide variant.
Coding change: c.2113T>C on transcript NM_001142800.2 (MANE Select); coding-DNA position 2113, T replaced by C.
Protein change: p.Cys705Arg; replaces cysteine 705 with arginine.
Molecular consequence: missense variant.
Genome position (GRCh38, 1-based): chr6:65,057,638, A>G on the plus strand (T>C on the coding strand, the complement: EYS is on the minus strand). VCF-style: chr6-65057638-A-G. GRCh37 (hg19) VCF-style: chr6-65767531-A-G.
Other names: c.2113T>C, p.Cys705Arg (NM_001292009.2); short protein forms C705R.
Identifiers: ClinVar variation 1482940 (VCV001482940.3), dbSNP rs1327358769, ClinGen allele CA364787478.
Genomic context (GRCh38, chr6:65,057,638, plus strand): 5'-TATGTTTGCTTTTCCTTATCCCTTGGTGTTCATTACCTTTAAATGGAGGCACACACTGGC[A>G]GAAGTAATTACCAGGTTGGTCAATGCAGGTGGCTCCATTTTTGCAGGGATGTGAAGCACA-3'
Protein context (NP_001136272.1, residues 695-715): TCIDQPGNYF[Cys705Arg]QCVPPFKVVD

ClinVar aggregate classification (germline): Uncertain significance (1 of 4 stars; one submission).

Allele frequency attached by ClinVar (database versions not stated): gnomAD 0.00001; gnomAD exomes 0.00001; TOPMed 0.00001.
gnomAD v4.1: 5 of 1,549,892 alleles (0.00032%); highest among the groups gnomAD compares: Admixed American, 0.0098%; no homozygotes.

Submission:

Labcorp Genetics (formerly Invitae), Labcorp
Classification: Uncertain significance. Last evaluated: 2022-08-16. Review status: criteria provided, single submitter. Criteria: Invitae Variant Classification Sherloc (09022015). Collection method: clinical testing. Allele origin: germline.
Comment: This sequence change replaces cysteine, which is neutral and slightly polar, with arginine, which is basic and polar, at codon 705 of the EYS protein (p.Cys705Arg). This variant is present in population databases (no rsID available, gnomAD 0.008%). This variant has not been reported in the literature in individuals affected with EYS-related conditions. ClinVar contains an entry for this variant (Variation ID: 1482940). Algorithms developed to predict the effect of missense changes on protein structure and function (SIFT, PolyPhen-2, Align-GVGD) all suggest that this variant is likely to be disruptive. In summary, the available evidence is currently insufficient to determine the role of this variant in disease. Therefore, it has been classified as a Variant of Uncertain Significance.